The following is an entry in ClinVar:

ClinVar aggregate classification (germline): Uncertain significance. Review status: criteria provided, multiple submitters, no conflicts (2 of 4 stars). 2 submissions from 2 submitters: Uncertain significance (2). Last evaluated 2025-01-28.

Conditions:
Hypertrophic cardiomyopathy 1 (CMH1). Also called: Familial hypertrophic cardiomyopathy 1; MYH7-Related Familial Hypertrophic Cardiomyopathy. Identifiers: MedGen C3495498, MONDO:0008647, OMIM 192600.

Allele frequency attached by ClinVar (database versions not stated): TOPMed 0.00001.

Submissions (2):

Labcorp Genetics (formerly Invitae), Labcorp
Classification: Uncertain significance for Hypertrophic cardiomyopathy 1. Last evaluated: 2025-01-28. Review status: criteria provided, single submitter. Criteria: Invitae Variant Classification Sherloc (09022015). Collection method: clinical testing. Allele origin: germline.
Comment: This sequence change replaces aspartic acid, which is acidic and polar, with glutamic acid, which is acidic and polar, at codon 35 of the MYLK2 protein (p.Asp35Glu). This variant is not present in population databases (gnomAD no frequency). This variant has not been reported in the literature in individuals affected with MYLK2-related conditions. ClinVar contains an entry for this variant (Variation ID: 857454). An algorithm developed to predict the effect of missense changes on protein structure and function outputs the following: PolyPhen-2: "Benign". The glutamic acid amino acid residue is found in multiple mammalian species, which suggests that this missense change does not adversely affect protein function. In summary, the available evidence is currently insufficient to determine the role of this variant in disease. Therefore, it has been classified as a Variant of Uncertain Significance.

Ambry Genetics
Classification: Uncertain significance. Last evaluated: 2023-02-08. Review status: criteria provided, single submitter. Criteria: Ambry Variant Classification Scheme 2023. Collection method: clinical testing. Allele origin: germline.
Comment: The p.D35E variant (also known as c.105C>A), located in coding exon 2 of the MYLK2 gene, results from a C to A substitution at nucleotide position 105. The aspartic acid at codon 35 is replaced by glutamic acid, an amino acid with highly similar properties. This amino acid position is conserved. In addition, this alteration is predicted to be tolerated by in silico analysis. Since supporting evidence is limited at this time, the clinical significance of this alteration remains unclear.

NM_033118.4(MYLK2):c.105C>A (p.Asp35Glu)

Gene: MYLK2 (myosin light chain kinase 2; plus strand). Cytogenetic location: 20q11.21.
Variant type: single nucleotide variant.
Coding change: c.105C>A on transcript NM_033118.4 (MANE Select); coding-DNA position 105, C replaced by A.
Protein change: p.Asp35Glu; replaces aspartic acid 35 with glutamic acid.
Molecular consequence: missense variant.
Genome position (GRCh38, 1-based): chr20:31,820,178, C>A. VCF-style: chr20-31820178-C-A. GRCh37 (hg19) VCF-style: chr20-30407981-C-A.
Other names: short protein forms D35E.
Identifiers: ClinVar variation 857454 (VCV000857454.9), dbSNP rs551492045, ClinGen allele CA313849464.